The following is an entry in ClinVar:

NM_152743.4(BRAT1):c.2002C>T (p.Pro668Ser)

Gene: BRAT1 (BRCA1 associated ATM activator 1; minus strand). Cytogenetic location: 7p22.3.
Variant type: single nucleotide variant.
Coding change: c.2002C>T on transcript NM_152743.4 (MANE Select); coding-DNA position 2002, C replaced by T.
Protein change: p.Pro668Ser; replaces proline 668 with serine.
Molecular consequence: missense variant. On other transcripts: non-coding transcript variant (1).
Genome position (GRCh38, 1-based): chr7:2,538,533, G>A on the plus strand (C>T on the coding strand, the complement: BRAT1 is on the minus strand). VCF-style: chr7-2538533-G-A. GRCh37 (hg19) VCF-style: chr7-2578167-G-A.
Other names: c.2182C>T, p.Pro728Ser (NM_001350626.2); c.1477C>T, p.Pro493Ser (NM_001350627.2); short protein forms P493S, P668S, P728S.
Identifiers: ClinVar variation 1477112 (VCV001477112.3), dbSNP rs2128384133, ClinGen allele CA366624974.

ClinVar aggregate classification (germline): Uncertain significance (1 of 4 stars; one submission).

Conditions:
Neonatal-onset encephalopathy with rigidity and seizures. Also called: Lethal neonatal spasticity-epileptic encephalopathy syndrome. Identifiers: Orphanet 435845, MedGen C3281029, MONDO:0013784, OMIM 614498.

Submission:

Labcorp Genetics (formerly Invitae), Labcorp
Classification: Uncertain significance for Neonatal-onset encephalopathy with rigidity and seizures. Last evaluated: 2022-06-27. Review status: criteria provided, single submitter. Criteria: Invitae Variant Classification Sherloc (09022015). Collection method: clinical testing. Allele origin: germline.
Comment: This sequence change replaces proline, which is neutral and non-polar, with serine, which is neutral and polar, at codon 668 of the BRAT1 protein (p.Pro668Ser). This variant is not present in population databases (gnomAD no frequency). This variant has not been reported in the literature in individuals affected with BRAT1-related conditions. Algorithms developed to predict the effect of missense changes on protein structure and function (SIFT, PolyPhen-2, Align-GVGD) all suggest that this variant is likely to be tolerated. In summary, the available evidence is currently insufficient to determine the role of this variant in disease. Therefore, it has been classified as a Variant of Uncertain Significance.